The following is an entry in ClinVar:

NM_032638.5(GATA2):c.1064C>A (p.Thr355Lys)

Gene: GATA2 (GATA binding protein 2; minus strand). Cytogenetic location: 3q21.3.
Variant type: single nucleotide variant.
Coding change: c.1064C>A on transcript NM_032638.5 (MANE Select); coding-DNA position 1064, C replaced by A.
Protein change: p.Thr355Lys; replaces threonine 355 with lysine.
Molecular consequence: missense variant.
Genome position (GRCh38, 1-based): chr3:128,481,898, G>T on the plus strand (C>A on the coding strand, the complement: GATA2 is on the minus strand). VCF-style: chr3-128481898-G-T. GRCh37 (hg19) VCF-style: chr3-128200741-G-T.
Other names: c.1064C>A, p.Thr355Lys (NM_001145661.2); c.1022C>A, p.Thr341Lys (NM_001145662.1); short protein forms T355K, T341K.
Identifiers: ClinVar variation 404072 (VCV000404072.10), dbSNP rs1060500085, ClinGen allele CA16611238.

ClinVar aggregate classification (germline): Uncertain significance (1 of 4 stars; one submission).

Conditions:
Deafness-lymphedema-leukemia syndrome. Also called: Emberger syndrome; Lymphedema, primary, with myelodysplasia. Identifiers: Orphanet 3226, MedGen C3279664, MONDO:0013540, OMIM 614038.
Monocytopenia with susceptibility to infections. Also called: MONOCYTOPENIA AND MYCOBACTERIAL INFECTION SYNDROME; MONOCYTOPENIA WITH SUSCEPTIBILITY TO MYCOBACTERIAL, FUNGAL, AND PAPILLOMAVIRUS INFECTIONS AND MYELODYSPLASIA; COMBINED IMMUNODEFICIENCY WITH SUSCEPTIBILITY TO MYCOBACTERIAL, VIRAL, AND FUNGAL INFECTIONS; Dendritic cell, monocyte, B lymphocyte, and natural killer lymphocyte deficiency; IMMUNODEFICIENCY 21; GATA2 DEFICIENCY. Identifiers: Orphanet 228423, MedGen C3280030, MONDO:0013607, OMIM 614172.

Allele frequency attached by ClinVar (database versions not stated): TOPMed below 0.00001.

Submission:

Labcorp Genetics (formerly Invitae), Labcorp
Classification: Uncertain significance for Monocytopenia with susceptibility to infections; Deafness-lymphedema-leukemia syndrome. Last evaluated: 2026-01-05. Review status: criteria provided, single submitter. Criteria: Invitae Variant Classification Sherloc (09022015). Collection method: clinical testing. Allele origin: germline.
Comment: This sequence change replaces threonine, which is neutral and polar, with lysine, which is basic and polar, at codon 355 of the GATA2 protein (p.Thr355Lys). This variant is not present in population databases (gnomAD no frequency). This variant has not been reported in the literature in individuals affected with GATA2-related conditions. ClinVar contains an entry for this variant (Variation ID: 404072). Invitae Evidence Modeling of protein sequence and biophysical properties (such as structural, functional, and spatial information, amino acid conservation, physicochemical variation, residue mobility, and thermodynamic stability) has been performed for this missense variant. However, the output from this modeling did not meet the statistical confidence thresholds required to predict the impact of this variant on GATA2 protein function. In summary, the available evidence is currently insufficient to determine the role of this variant in disease. Therefore, it has been classified as a Variant of Uncertain Significance.